The following is an entry in ClinVar:

ClinVar aggregate classification (germline): Uncertain significance (1 of 4 stars; one submission).

Submission:

Women's Health and Genetics/Laboratory Corporation of America, LabCorp
Classification: Uncertain significance. Last evaluated: 2025-12-08. Review status: criteria provided, single submitter. Criteria: LabCorp Variant Classification Summary - May 2015. Collection method: clinical testing. Allele origin: germline.
Comment: Variant summary: PDX1 c.839A>G (p.Gln280Arg) results in a conservative amino acid change in the encoded protein sequence. Algorithms developed to predict the effect of missense changes on protein structure and function all suggest that this variant is likely to be tolerated. The frequency data for this variant in gnomAD is considered unreliable, as metrics indicate poor data quality at this position. To our knowledge, no occurrence of c.839A>G in individuals affected with PDX1-related conditions and no experimental evidence demonstrating its impact on protein function have been reported. No submitters have cited clinical-significance assessments for this variant to ClinVar. Based on the evidence outlined above, the variant was classified as uncertain significance.

NM_000209.4(PDX1):c.839A>G (p.Gln280Arg)

Gene: PDX1 (pancreatic and duodenal homeobox 1; plus strand). Cytogenetic location: 13q12.2.
Variant type: single nucleotide variant.
Coding change: c.839A>G on transcript NM_000209.4 (MANE Select); coding-DNA position 839, A replaced by G.
Protein change: p.Gln280Arg; replaces glutamine 280 with arginine.
Molecular consequence: missense variant.
Genome position (GRCh38, 1-based): chr13:27,924,688, A>G. VCF-style: chr13-27924688-A-G. GRCh37 (hg19) VCF-style: chr13-28498825-A-G.
Other names: short protein forms Q280R.
Identifiers: ClinVar variation 4688504 (VCV004688504.1).
Genomic context (GRCh38, chr13:27,924,688, plus strand): 5'-GCCTGCCGCCTGGCCTTAGCGCGTCGCCACAGCCCTCCAGCGTCGCGCCTCGGCGGCCGC[A>G]GGAACCACGATGAGAGGCAGGAGCTGCTCCTGGCTGAGGGGCTTCAACCACTCGCCGAGG-3'
Protein context (NP_000200.1, residues 270-283): QPSSVAPRRP[Gln280Arg]EPR